The following is an entry in ClinVar:

ClinVar aggregate classification (germline): Uncertain significance. Review status: criteria provided, multiple submitters, no conflicts (2 of 4 stars). 2 submissions from 2 submitters: Uncertain significance (2). Last evaluated 2025-05-23.

Allele frequency attached by ClinVar (database versions not stated): ESP Exome Variant Server 0.00008; gnomAD 0.00003; TOPMed 0.00003.
gnomAD v4.1: 11 of 1,613,870 alleles (0.00068%); highest among the groups gnomAD compares: African/African-American, 0.011%; no homozygotes.

Submissions (2):

GeneDx
Classification: Uncertain significance. Last evaluated: 2025-05-23. Review status: criteria provided, single submitter. Criteria: GeneDx Variant Classification Process June 2021. Collection method: clinical testing. Allele origin: germline. Affected: yes.
Comment: In silico analysis supports that this missense variant has a deleterious effect on protein structure/function; Has not been previously published as pathogenic or benign to our knowledge

Labcorp Genetics (formerly Invitae), Labcorp
Classification: Uncertain significance. Last evaluated: 2022-06-16. Review status: criteria provided, single submitter. Criteria: Invitae Variant Classification Sherloc (09022015). Collection method: clinical testing. Allele origin: germline.
Comment: This sequence change replaces proline, which is neutral and non-polar, with serine, which is neutral and polar, at codon 2189 of the CDH23 protein (p.Pro2189Ser). This variant is present in population databases (rs368305683, gnomAD 0.01%). This variant has not been reported in the literature in individuals affected with CDH23-related conditions. Algorithms developed to predict the effect of missense changes on protein structure and function are either unavailable or do not agree on the potential impact of this missense change (SIFT: "Deleterious"; PolyPhen-2: "Not Available"; Align-GVGD: "Class C65"). In summary, the available evidence is currently insufficient to determine the role of this variant in disease. Therefore, it has been classified as a Variant of Uncertain Significance.

NM_022124.6(CDH23):c.6565C>T (p.Pro2189Ser)

Gene: CDH23 (cadherin related 23; plus strand). Cytogenetic location: 10q22.1.
Variant type: single nucleotide variant.
Coding change: c.6565C>T on transcript NM_022124.6 (MANE Select); coding-DNA position 6565, C replaced by T.
Protein change: p.Pro2189Ser; replaces proline 2189 with serine.
Molecular consequence: missense variant.
Genome position (GRCh38, 1-based): chr10:71,793,493, C>T. VCF-style: chr10-71793493-C-T. GRCh37 (hg19) VCF-style: chr10-73553250-C-T.
Other names: c.6565C>T (NM_022124.5); short protein forms P2189S.
Identifiers: ClinVar variation 1983315 (VCV001983315.3), dbSNP rs368305683, ClinGen allele CA209466324.
Genomic context (GRCh38, chr10:71,793,493, plus strand): 5'-GACTCCCGCCCCGAGTTCCTCAACCCCATCCAGACAGTGAGCGTGCTGGAGTCGGCTGAG[C>T]CAGGCACTGTCATTGCCAATATCACGGCCATTGACCACGACCTCAACCCAAAGCTAGAGT-3'
Protein context (NP_071407.4, residues 2179-2199): QTVSVLESAE[Pro2189Ser]GTVIANITAI